The following is an entry in ClinVar:

NM_014874.4(MFN2):c.1984A>G (p.Lys662Glu)

Gene: MFN2 (mitofusin 2; plus strand). Cytogenetic location: 1p36.22.
Variant type: single nucleotide variant.
Coding change: c.1984A>G on transcript NM_014874.4 (MANE Select); coding-DNA position 1984, A replaced by G.
Protein change: p.Lys662Glu; replaces lysine 662 with glutamic acid.
Molecular consequence: missense variant.
Genome position (GRCh38, 1-based): chr1:12,007,164, A>G. VCF-style: chr1-12007164-A-G. GRCh37 (hg19) VCF-style: chr1-12067221-A-G.
Other names: c.1984A>G, p.Lys662Glu (NM_001127660.2); short protein forms K662E.
Identifiers: ClinVar variation 637715 (VCV000637715.3), dbSNP rs1569871448, ClinGen allele CA338451319.

ClinVar aggregate classification (germline): Uncertain significance. Review status: criteria provided, single submitter (1 of 4 stars). 2 submissions from 2 submitters: Uncertain significance (1). 1 of the submissions does not count toward it. Last evaluated 2018-09-06.

Conditions:
Charcot-Marie-Tooth disease. Also called: Charcot-Marie-Tooth Hereditary Neuropathy; Charcot-Marie-Tooth Neuropathy. Identifiers: Orphanet 166, MedGen C0007959, MONDO:0015626.

Submissions (2):

GeneDx
Classification: Uncertain significance. Last evaluated: 2018-09-06. Review status: criteria provided, single submitter. Criteria: GeneDx Variant Classification Process June 2021. Collection method: clinical testing. Allele origin: germline. Affected: yes.
Comment: Not observed in large population cohorts (Lek et al., 2016; McVean et al., 2012; Exome Variant Server); In silico analysis, which includes protein predictors and evolutionary conservation, supports a deleterious effect; Reported in the literature in an individual with early-onset CMT2A; however, information about parental testing was not available (Bombelli et al., 2014); This variant is associated with the following publications: (PMID: 24957169)

Inherited Neuropathy Consortium
Classification: Uncertain significance for Charcot-Marie-Tooth disease. Review status: no assertion criteria provided. Collection method: literature only. Allele origin: germline. Affected: yes. Not counted in ClinVar's aggregate classification.

Literature cited by the submitters: PubMed 24957169 (cited by Inherited Neuropathy Consortium).